The following is an entry in ClinVar:

NM_000207.3(INS):c.6C>T (p.Ala2=)

Genes: INS (insulin; minus strand), INS-IGF2 (INS-IGF2 readthrough; minus strand). Cytogenetic location: 11p15.5.
Variant type: single nucleotide variant.
Coding change: c.6C>T on transcript NM_000207.3 (MANE Select); coding-DNA position 6, C replaced by T.
Protein change: p.Ala2=; no amino-acid change (alanine 2 retained).
Molecular consequence: synonymous variant. On other transcripts: non-coding transcript variant (1).
Genome position (GRCh38, 1-based): chr11:2,160,966, G>A on the plus strand (C>T on the coding strand, the complement: INS is on the minus strand). VCF-style: chr11-2160966-G-A. GRCh37 (hg19) VCF-style: chr11-2182196-G-A.
Other names: c.6C>T, p.Ala2= (NM_001185097.2, NM_001185098.2, NM_001291897.2 and 1 more transcripts).
Identifiers: ClinVar variation 3040666 (VCV003040666.4), dbSNP rs764207450, ClinGen allele CA5818206.
Genomic context (GRCh38, chr11:2,160,966, plus strand): 5'-GGCTGGGTCAGGTCCCCAGAGGGCCAGCAGCGCCAGCAGGGGCAGGAGGCGCATCCACAG[G>A]GCCATGGCAGAAGGACAGTGATCTGGGAGACAGGCAGGGCTGAGGCAGGCTGAAGGCCAG-3'
Protein context (NP_000198.1, residues 1-12): M[Ala2=]LWMRLLPLLA

ClinVar aggregate classification (germline): Likely benign. Review status: criteria provided, single submitter (1 of 4 stars). 2 submissions from 2 submitters: Likely benign (1). 1 of the submissions does not count toward it. Last evaluated 2024-07-08.

Conditions:
INS-IGF2-related disorder. Also called: INS-IGF2-related condition.

Allele frequency attached by ClinVar (database versions not stated): ExAC 0.00001; gnomAD exomes 0.00001; gnomAD 0.00002; TOPMed 0.00002.

Submissions (2):

Labcorp Genetics (formerly Invitae), Labcorp
Classification: Likely benign. Last evaluated: 2024-07-08. Review status: criteria provided, single submitter. Criteria: Invitae Variant Classification Sherloc (09022015). Collection method: clinical testing. Allele origin: germline.

PreventionGenetics, part of Exact Sciences
Classification: Likely benign for INS-IGF2-related condition. Last evaluated: 2019-09-19. Review status: no assertion criteria provided. Collection method: clinical testing. Allele origin: germline. Not counted in ClinVar's aggregate classification.
Comment: This variant is classified as likely benign based on ACMG/AMP sequence variant interpretation guidelines (Richards et al. 2015 PMID: 25741868, with internal and published modifications).